The following is an entry in ClinVar:

NM_000388.4(CASR):c.2771T>C (p.Phe924Ser)

Gene: CASR (calcium sensing receptor; plus strand). Cytogenetic location: 3q21.1.
Variant type: single nucleotide variant.
Coding change: c.2771T>C on transcript NM_000388.4 (MANE Select); coding-DNA position 2771, T replaced by C.
Protein change: p.Phe924Ser; replaces phenylalanine 924 with serine.
Molecular consequence: missense variant.
Genome position (GRCh38, 1-based): chr3:122,284,725, T>C. VCF-style: chr3-122284725-T-C. GRCh37 (hg19) VCF-style: chr3-122003572-T-C.
Other names: c.2801T>C, p.Phe934Ser (NM_001178065.2); short protein forms F934S, F924S.
Identifiers: ClinVar variation 2947883 (VCV002947883.3), dbSNP rs922534407, ClinGen allele CA82749231.

ClinVar aggregate classification (germline): Uncertain significance (1 of 4 stars; one submission).

Conditions:
Familial hypocalciuric hypercalcemia (FHH). Also called: Familial benign hypercalcemia. Identifiers: Orphanet 405, MedGen C1809471, MONDO:0018458.
Autosomal dominant hypocalcemia 1 (HYPOC1). Also called: HYPOCALCEMIA, FAMILIAL. Identifiers: MedGen C3715128, MONDO:0011013, OMIM 601198.

Allele frequency attached by ClinVar (database versions not stated): TOPMed below 0.00001; gnomAD 0.00001; gnomAD exomes 0.00001.
gnomAD v4.1: 6 of 1,613,882 alleles (0.00037%); highest among the groups gnomAD compares: Non-Finnish European, 0.00051%; no homozygotes.

Submission:

Labcorp Genetics (formerly Invitae), Labcorp
Classification: Uncertain significance for Familial hypocalciuric hypercalcemia; Autosomal dominant hypocalcemia 1. Last evaluated: 2023-07-20. Review status: criteria provided, single submitter. Criteria: Invitae Variant Classification Sherloc (09022015). Collection method: clinical testing. Allele origin: germline.
Comment: This sequence change replaces phenylalanine, which is neutral and non-polar, with serine, which is neutral and polar, at codon 924 of the CASR protein (p.Phe924Ser). This variant is not present in population databases (gnomAD no frequency). This variant has not been reported in the literature in individuals affected with CASR-related conditions. An algorithm developed to predict the effect of missense changes on protein structure and function (PolyPhen-2) suggests that this variant is likely to be tolerated. In summary, the available evidence is currently insufficient to determine the role of this variant in disease. Therefore, it has been classified as a Variant of Uncertain Significance.